The following is an entry in ClinVar:

ClinVar aggregate classification (germline): Uncertain significance. Review status: criteria provided, multiple submitters, no conflicts (2 of 4 stars). 2 submissions from 2 submitters: Uncertain significance (2). Last evaluated 2023-03-01.

Conditions:
Long QT syndrome (LQTS). Identifiers: MedGen C0023976, MeSH D008133, MONDO:0002442. Disease mechanism: loss of function. Inheritance: Various modes of inheritance.

Submissions (2):

Labcorp Genetics (formerly Invitae), Labcorp
Classification: Uncertain significance for Long QT syndrome. Last evaluated: 2023-03-01. Review status: criteria provided, single submitter. Criteria: Invitae Variant Classification Sherloc (09022015). Collection method: clinical testing. Allele origin: germline.
Comment: In summary, the available evidence is currently insufficient to determine the role of this variant in disease. Therefore, it has been classified as a Variant of Uncertain Significance. This sequence change replaces arginine, which is basic and polar, with proline, which is neutral and non-polar, at codon 50 of the KCNJ5 protein (p.Arg50Pro). This variant is not present in population databases (gnomAD no frequency). This variant has not been reported in the literature in individuals affected with KCNJ5-related conditions. ClinVar contains an entry for this variant (Variation ID: 1677790). Advanced modeling of protein sequence and biophysical properties (such as structural, functional, and spatial information, amino acid conservation, physicochemical variation, residue mobility, and thermodynamic stability) performed at Invitae indicates that this missense variant is not expected to disrupt KCNJ5 protein function.

AiLife Diagnostics
Classification: Uncertain significance. Last evaluated: 2022-01-07. Review status: criteria provided, single submitter. Criteria: ACMG Guidelines, 2015. Collection method: clinical testing. Allele origin: germline. Affected: yes. Observed: 1 variant allele.

NM_000890.5(KCNJ5):c.149G>C (p.Arg50Pro)

Gene: KCNJ5 (potassium inwardly rectifying channel subfamily J member 5; plus strand). Cytogenetic location: 11q24.3.
Variant type: single nucleotide variant.
Coding change: c.149G>C on transcript NM_000890.5 (MANE Select); coding-DNA position 149, G replaced by C.
Protein change: p.Arg50Pro; replaces arginine 50 with proline.
Molecular consequence: missense variant.
Genome position (GRCh38, 1-based): chr11:128,911,422, G>C. VCF-style: chr11-128911422-G-C. GRCh37 (hg19) VCF-style: chr11-128781317-G-C.
Other names: c.149G>C, p.Arg50Pro (NM_001354169.2); short protein forms R50P.
Identifiers: ClinVar variation 1677790 (VCV001677790.4), dbSNP rs748152068, ClinGen allele CA6357830.